The following is an entry in ClinVar:

NM_139076.3(ABRAXAS1):c.1056T>G (p.Asp352Glu)

Gene: ABRAXAS1 (abraxas 1, BRCA1 A complex subunit; minus strand). Cytogenetic location: 4q21.23.
Variant type: single nucleotide variant.
Coding change: c.1056T>G on transcript NM_139076.3 (MANE Select); coding-DNA position 1056, T replaced by G.
Protein change: p.Asp352Glu; replaces aspartic acid 352 with glutamic acid.
Molecular consequence: missense variant.
Genome position (GRCh38, 1-based): chr4:83,462,643, A>C on the plus strand (T>G on the coding strand, the complement: ABRAXAS1 is on the minus strand). VCF-style: chr4-83462643-A-C. GRCh37 (hg19) VCF-style: chr4-84383796-A-C.
Other names: c.729T>G, p.Asp243Glu (NM_001345962.2); short protein forms D352E, D243E.
Identifiers: ClinVar variation 224927 (VCV000224927.13), dbSNP rs773812911, ClinGen allele CA356450.

ClinVar aggregate classification (germline): Conflicting classifications of pathogenicity. Review status: criteria provided, conflicting classifications (1 of 4 stars). 3 submissions from 3 submitters: Uncertain significance (2); Likely benign (1). Last evaluated 2025-07-25.

Allele frequency attached by ClinVar (database versions not stated): gnomAD 0.00026 and 0.00029; ExAC 0.00002; TOPMed 0.00022.
gnomAD v4.1: 150 of 1,613,940 alleles (0.0093%); highest among the groups gnomAD compares: Admixed American, 0.11%; 1 homozygote.

Submissions (3):

Ambry Genetics
Classification: Uncertain significance. Last evaluated: 2025-07-25. Review status: criteria provided, single submitter. Criteria: Ambry Variant Classification Scheme 2023. Collection method: clinical testing. Allele origin: germline.

Labcorp Genetics (formerly Invitae), Labcorp
Classification: Uncertain significance. Last evaluated: 2024-06-17. Review status: criteria provided, single submitter. Criteria: Invitae Variant Classification Sherloc (09022015). Collection method: clinical testing. Allele origin: germline.
Comment: This sequence change replaces aspartic acid, which is acidic and polar, with glutamic acid, which is acidic and polar, at codon 352 of the ABRAXAS1 protein (p.Asp352Glu). This variant is present in population databases (rs773812911, gnomAD 0.07%), and has an allele count higher than expected for a pathogenic variant. This variant has not been reported in the literature in individuals affected with ABRAXAS1-related conditions. ClinVar contains an entry for this variant (Variation ID: 224927). Algorithms developed to predict the effect of missense changes on protein structure and function output the following: SIFT: "Not Available"; PolyPhen-2: "Benign"; Align-GVGD: "Not Available". The glutamic acid amino acid residue is found in multiple mammalian species, which suggests that this missense change does not adversely affect protein function. In summary, the available evidence is currently insufficient to determine the role of this variant in disease. Therefore, it has been classified as a Variant of Uncertain Significance.

Women's Health and Genetics/Laboratory Corporation of America, LabCorp
Classification: Likely benign. Last evaluated: 2021-03-13. Review status: criteria provided, single submitter. Criteria: LabCorp Variant Classification Summary - May 2015. Collection method: clinical testing. Allele origin: germline.
Comment: Variant summary: FAM175A/ABRAXAS1 c.1056T>G (p.Asp352Glu) results in a conservative amino acid change in the encoded protein sequence. Five of five in-silico tools predict a benign effect of the variant on protein function. The variant allele was found at a frequency of 0.00012 in 251338 control chromosomes, predominantly at a frequency of 0.00066 within the Latino subpopulation in the gnomAD database. The observed variant frequency within Latino control individuals in the gnomAD database is approximately 21 fold of the estimated maximal expected allele frequency for a pathogenic variant in FAM175A causing Hereditary Breast And Ovarian Cancer Syndrome phenotype (3.1e-05), strongly suggesting that the variant is a benign polymorphism found primarily in populations of Latino origin. To our knowledge, no occurrence of c.1056T>G in individuals affected with Hereditary Breast And Ovarian Cancer Syndrome and no experimental evidence demonstrating its impact on protein function have been reported. One clinical diagnostic laboratory has submitted clinical-significance assessments for this variant to ClinVar after 2014 without evidence for independent evaluation and classified the variant as uncertain significance. Based on the evidence outlined above, the variant was classified as likely benign.